The following is an entry in ClinVar:

NM_015338.6(ASXL1):c.1043A>G (p.Glu348Gly)

Gene: ASXL1 (ASXL transcriptional regulator 1; plus strand). Cytogenetic location: 20q11.21.
Variant type: single nucleotide variant.
Coding change: c.1043A>G on transcript NM_015338.6 (MANE Select); coding-DNA position 1043, A replaced by G.
Protein change: p.Glu348Gly; replaces glutamic acid 348 with glycine.
Molecular consequence: missense variant.
Genome position (GRCh38, 1-based): chr20:32,432,943, A>G. VCF-style: chr20-32432943-A-G. GRCh37 (hg19) VCF-style: chr20-31020746-A-G.
Other names: c.860A>G, p.Glu287Gly (NM_001363734.1); short protein forms E348G, E287G.
Identifiers: ClinVar variation 4158474 (VCV004158474.1).

ClinVar aggregate classification (germline): Uncertain significance (1 of 4 stars; one submission).

Conditions:
Inborn genetic diseases. Identifiers: MedGen C0950123, MeSH D030342.

Submission:

Ambry Genetics
Classification: Uncertain significance for Inborn genetic diseases. Last evaluated: 2025-08-01. Review status: criteria provided, single submitter. Criteria: Ambry Variant Classification Scheme 2023. Collection method: clinical testing. Allele origin: germline.
Comment: The p.E348G variant (also known as c.1043A>G), located in coding exon 11 of the ASXL1 gene, results from an A to G substitution at nucleotide position 1043. The glutamic acid at codon 348 is replaced by glycine, an amino acid with similar properties. This amino acid position is conserved. In addition, this alteration is predicted to be deleterious by in silico analysis. Based on the available evidence, the clinical significance of this variant remains unclear.